The following is an entry in ClinVar:

ClinVar aggregate classification (germline): Pathogenic (1 of 4 stars; one submission).

Conditions:
Hereditary cancer-predisposing syndrome. Also called: Hereditary Cancer Syndrome; Tumor predisposition; Hereditary neoplastic syndrome; Neoplastic Syndromes, Hereditary. Identifiers: Orphanet 140162, MedGen C0027672, MeSH D009386, MONDO:0015356.

Submission:

Ambry Genetics
Classification: Pathogenic for Hereditary cancer-predisposing syndrome. Last evaluated: 2024-04-26. Review status: criteria provided, single submitter. Criteria: Ambry Variant Classification Scheme 2023. Collection method: clinical testing. Allele origin: germline.
Comment: The c.1237_1238insG pathogenic mutation, located in coding exon 10 of the CHEK2 gene, results from an insertion of one nucleotide at position 1237, causing a translational frameshift with a predicted alternate stop codon (p.L413Cfs*10). This variant is considered to be rare based on population cohorts in the Genome Aggregation Database (gnomAD). This alteration is expected to result in loss of function by premature protein truncation or nonsense-mediated mRNA decay. As such, this alteration is interpreted as a disease-causing mutation.

NM_007194.4(CHEK2):c.1237_1238insG (p.Leu413fs)

Gene: CHEK2 (checkpoint kinase 2; minus strand). Cytogenetic location: 22q12.1.
Variant type: Insertion.
Coding change: c.1237_1238insG on transcript NM_007194.4 (MANE Select); coding-DNA positions 1237 to 1238, G inserted.
Protein change: p.Leu413fs; shifts the reading frame from leucine 413.
Molecular consequence: frameshift variant.
Genome position: GRCh38 VCF-style: chr22-28695731-A-AC. GRCh37 (hg19) VCF-style: chr22-29091719-A-AC.
Other names: c.1366_1367insG, p.Leu456Cysfs (NM_001005735.3); c.574_575insG, p.Leu192Cysfs (NM_001257387.3); c.1036_1037insG, p.Leu346Cysfs (NM_001349956.3); c.1150_1151insG, p.Leu384Cysfs (NM_145862.3); short protein forms L384fs, L456fs, L346fs, L192fs, L413fs.
Identifiers: ClinVar variation 3266955 (VCV003266955.1).